The following is an entry in ClinVar:

ClinVar aggregate classification (germline): Pathogenic (1 of 4 stars; one submission).

Conditions:
Hereditary cancer-predisposing syndrome. Also called: Neoplastic Syndromes, Hereditary; Tumor predisposition; Hereditary Cancer Syndrome; Hereditary neoplastic syndrome. Identifiers: Orphanet 140162, MedGen C0027672, MeSH D009386, MONDO:0015356.

Submission:

Ambry Genetics
Classification: Pathogenic for Hereditary cancer-predisposing syndrome. Last evaluated: 2021-07-20. Review status: criteria provided, single submitter. Criteria: Ambry Variant Classification Scheme 2023. Collection method: clinical testing. Allele origin: germline.
Comment: The p.L60* pathogenic mutation (also known as c.179T>A), located in coding exon 1 of the MSH6 gene, results from a T to A substitution at nucleotide position 179. This changes the amino acid from a leucine to a stop codon within coding exon 1. This alteration is expected to result in loss of function by premature protein truncation or nonsense-mediated mRNA decay. As such, this alteration is interpreted as a disease-causing mutation.

NM_000179.3(MSH6):c.179T>A (p.Leu60Ter)

Gene: MSH6 (mutS homolog 6; plus strand). Cytogenetic location: 2p16.3.
Variant type: single nucleotide variant.
Coding change: c.179T>A on transcript NM_000179.3 (MANE Select); coding-DNA position 179, T replaced by A.
Protein change: p.Leu60Ter; replaces leucine 60 with a stop codon.
Molecular consequence: nonsense. On other transcripts: 5 prime UTR variant (1), missense variant (1).
Genome position (GRCh38, 1-based): chr2:47,783,412, T>A. VCF-style: chr2-47783412-T-A. GRCh37 (hg19) VCF-style: chr2-48010551-T-A.
Other names: c.179T>A, p.Leu60Ter (NM_001281492.2, NM_001406795.1, NM_001406796.1 and 9 more transcripts); c.-558T>A (NM_001281493.2, NM_001406811.1); c.-150T>A (NM_001406799.1); c.124T>A, p.Trp42Arg (NM_001406804.1); c.-750T>A (NM_001406807.1); c.-405T>A (NM_001406812.1); c.-816T>A (NM_001406814.1); c.-361T>A (NM_001406816.1); short protein forms L60*, W42R.
Identifiers: ClinVar variation 1780342 (VCV001780342.2), dbSNP rs1668129543, ClinGen allele CA346735010.